The following is an entry in ClinVar:

NM_007186.6(CEP250):c.3675C>T (p.Ser1225=)

Gene: CEP250 (centrosomal protein 250; plus strand). Cytogenetic location: 20q11.22.
Variant type: single nucleotide variant.
Coding change: c.3675C>T on transcript NM_007186.6 (MANE Select); coding-DNA position 3675, C replaced by T.
Protein change: p.Ser1225=; no amino-acid change (serine 1225 retained).
Molecular consequence: synonymous variant.
Genome position (GRCh38, 1-based): chr20:35,498,614, C>T. VCF-style: chr20-35498614-C-T. GRCh37 (hg19) VCF-style: chr20-34086443-C-T.
Other names: c.1779C>T, p.Ser593= (NM_001318219.1); c.3675C>T (NM_007186.5).
Identifiers: ClinVar variation 1564732 (VCV001564732.32), dbSNP rs371562704, ClinGen allele CA9833533.

ClinVar aggregate classification (germline): Likely benign. Review status: criteria provided, multiple submitters, no conflicts (2 of 4 stars). 4 submissions from 4 submitters: Likely benign (4). Last evaluated 2026-09-22.

Conditions:
CEP250-related disorder. Also called: CEP250-related condition.

Allele frequency attached by ClinVar (database versions not stated): gnomAD 0.00001; gnomAD exomes 0.00001 and 0.00003; ExAC 0.00002; ESP Exome Variant Server 0.00008.
gnomAD v4.1: 22 of 1,603,342 alleles (0.0014%); highest among the groups gnomAD compares: South Asian, 0.02%; no homozygotes.

Submissions (4):

PreventionGenetics, part of Exact Sciences
Classification: Likely benign for CEP250-related condition. Last evaluated: 2026-09-22. Review status: criteria provided, single submitter. Criteria: ACMG Guidelines, 2015. Collection method: clinical testing. Allele origin: germline.
Comment: This variant is classified as likely benign based on ACMG/AMP sequence variant interpretation guidelines (Richards et al. 2015 PMID: 25741868, with internal and published modifications).

CeGaT Center for Human Genetics Tuebingen
Classification: Likely benign. Last evaluated: 2023-11-01. Review status: criteria provided, single submitter. Criteria: CeGaT Center For Human Genetics Tuebingen Variant Classification Criteria Version 2. Collection method: clinical testing. Allele origin: germline. Affected: yes. Observed: 1 variant allele.
Comment: CEP250: BP4, BP7

Blueprint Genetics
Classification: Likely benign. Last evaluated: 2022-09-28. Review status: criteria provided, single submitter. Criteria: ACMG Guidelines, 2015. Collection method: clinical testing. Allele origin: germline.

Labcorp Genetics (formerly Invitae), Labcorp
Classification: Likely benign. Last evaluated: 2022-01-22. Review status: criteria provided, single submitter. Criteria: Invitae Variant Classification Sherloc (09022015). Collection method: clinical testing. Allele origin: germline.